The following is an entry in ClinVar:

ClinVar aggregate classification (germline): Uncertain significance (1 of 4 stars; one submission).

Conditions:
Imerslund-Grasbeck syndrome. Also called: ENTEROCYTE COBALAMIN MALABSORPTION; ENTEROCYTE INTRINSIC FACTOR RECEPTOR, DEFECT OF; Imerslund-Gräsbeck syndrome; Megaloblastic anemia due to inborn errors of metabolism; PERNICIOUS ANEMIA, JUVENILE, DUE TO SELECTIVE INTESTINAL MALABSORPTION OF VITAMIN B12, WITH PROTEINURIA. Identifiers: Orphanet 35858, MedGen C4551825, MONDO:0009853.

Allele frequency attached by ClinVar (database versions not stated): gnomAD 0.00001; gnomAD exomes 0.00001; TOPMed 0.00001.
gnomAD v4.1: 15 of 1,613,880 alleles (0.00093%); highest among the groups gnomAD compares: African/African-American, 0.0013%; no homozygotes.

Submission:

Labcorp Genetics (formerly Invitae), Labcorp
Classification: Uncertain significance for Imerslund-Grasbeck syndrome. Last evaluated: 2022-08-21. Review status: criteria provided, single submitter. Criteria: Invitae Variant Classification Sherloc (09022015). Collection method: clinical testing. Allele origin: germline.
Comment: In summary, the available evidence is currently insufficient to determine the role of this variant in disease. Therefore, it has been classified as a Variant of Uncertain Significance. Algorithms developed to predict the effect of missense changes on protein structure and function output the following: SIFT: "Tolerated"; PolyPhen-2: "Benign"; Align-GVGD: "Class C0". The glutamic acid amino acid residue is found in multiple mammalian species, which suggests that this missense change does not adversely affect protein function. This variant has not been reported in the literature in individuals affected with CUBN-related conditions. This variant is not present in population databases (gnomAD no frequency). This sequence change replaces aspartic acid, which is acidic and polar, with glutamic acid, which is acidic and polar, at codon 2417 of the CUBN protein (p.Asp2417Glu).

NM_001081.4(CUBN):c.7251C>G (p.Asp2417Glu)

Gene: CUBN (cubilin; minus strand). Cytogenetic location: 10p13.
Variant type: single nucleotide variant.
Coding change: c.7251C>G on transcript NM_001081.4 (MANE Select); coding-DNA position 7251, C replaced by G.
Protein change: p.Asp2417Glu; replaces aspartic acid 2417 with glutamic acid.
Molecular consequence: missense variant.
Genome position (GRCh38, 1-based): chr10:16,915,132, G>C on the plus strand (C>G on the coding strand, the complement: CUBN is on the minus strand). VCF-style: chr10-16915132-G-C. GRCh37 (hg19) VCF-style: chr10-16957131-G-C.
Other names: short protein forms D2417E.
Identifiers: ClinVar variation 2188491 (VCV002188491.3), dbSNP rs1347522839, ClinGen allele CA376145686.